The following is an entry in ClinVar:

ClinVar aggregate classification (germline): Conflicting classifications of pathogenicity. Review status: criteria provided, conflicting classifications (1 of 4 stars). 4 submissions from 4 submitters: Uncertain significance (2); Benign (1). 1 of the submissions does not count toward it. Last evaluated 2026-09-29.

Conditions:
PIEZO1-related disorder. Also called: PIEZO1-related condition; PIEZO1-Related Disorders.

Allele frequency attached by ClinVar (database versions not stated): 1000 Genomes Project 30x 0.00016; 1000 Genomes Project 0.00020; ExAC 0.00006; gnomAD 0.00046; TOPMed 0.00054.
gnomAD v4.1: 532 of 1,530,454 alleles (0.035%); highest among the groups gnomAD compares: Middle Eastern, 0.28%; 2 homozygotes.

Submissions (4):

GeneDx
Classification: Uncertain significance. Last evaluated: 2026-09-29. Review status: criteria provided, single submitter. Criteria: GeneDx Variant Classification Process June 2021. Collection method: clinical testing. Allele origin: germline.
Comment: In silico analysis supports that this missense variant has a deleterious effect on protein structure/function; Has not been previously published as pathogenic or benign to our knowledge

Labcorp Genetics (formerly Invitae), Labcorp
Classification: Benign. Last evaluated: 2025-12-25. Review status: criteria provided, single submitter. Criteria: Invitae Variant Classification Sherloc (09022015). Collection method: clinical testing. Allele origin: germline.

Mayo Clinic Laboratories, Mayo Clinic
Classification: Uncertain significance. Last evaluated: 2023-09-18. Review status: criteria provided, single submitter. Criteria: ACMG Guidelines, 2015. Collection method: clinical testing. Allele origin: germline. Observed: 1 variant allele.
Comment: BP4

PreventionGenetics, part of Exact Sciences
Classification: Uncertain significance for PIEZO1-related condition. Last evaluated: 2024-09-27. Review status: no assertion criteria provided. Collection method: clinical testing. Allele origin: germline. Not counted in ClinVar's aggregate classification.
Comment: The PIEZO1 c.1009C>T variant is predicted to result in the amino acid substitution p.Pro337Ser. To our knowledge, this variant has not been reported in the literature. This variant is reported in 0.12% of alleles in individuals of Latino descent in gnomAD. Although we suspect that this variant may be benign, at this time, the clinical significance of this variant is uncertain due to the absence of conclusive functional and genetic evidence.

NM_001142864.4(PIEZO1):c.1009C>T (p.Pro337Ser)

Genes: HSALR1 (HSP90AB1 associated lncRNA 1; plus strand), PIEZO1 (piezo type mechanosensitive ion channel component 1 (Er blood group); minus strand). Cytogenetic location: 16q24.3.
Variant type: single nucleotide variant.
Coding change: c.1009C>T on transcript NM_001142864.4 (MANE Select); coding-DNA position 1009, C replaced by T.
Protein change: p.Pro337Ser; replaces proline 337 with serine.
Molecular consequence: missense variant. On other transcripts: non-coding transcript variant (1).
Genome position (GRCh38, 1-based): chr16:88,737,945, G>A on the plus strand (C>T on the coding strand, the complement: PIEZO1 is on the minus strand). VCF-style: chr16-88737945-G-A. GRCh37 (hg19) VCF-style: chr16-88804353-G-A.
Other names: p.Pro337Ser; c.1009C>T (NM_001142864.2, NM_001142864.3); short protein forms P337S.
Identifiers: ClinVar variation 2044925 (VCV002044925.9), dbSNP rs556220156, ClinGen allele CA8233144.